The following is an entry in ClinVar:

NM_001146079.2(CLDN14):c.587C>T (p.Ala196Val)

Genes: CLDN14 (claudin 14; minus strand), CLDN14-AS1 (CLDN14 antisense RNA 1; plus strand). Cytogenetic location: 21q22.13.
Variant type: single nucleotide variant.
Coding change: c.587C>T on transcript NM_001146079.2 (MANE Select); coding-DNA position 587, C replaced by T.
Protein change: p.Ala196Val; replaces alanine 196 with valine.
Molecular consequence: missense variant.
Genome position (GRCh38, 1-based): chr21:36,461,109, G>A on the plus strand (C>T on the coding strand, the complement: CLDN14 is on the minus strand). VCF-style: chr21-36461109-G-A. GRCh37 (hg19) VCF-style: chr21-37833407-G-A.
Other names: c.587C>T, p.Ala196Val (NM_001146077.2, NM_001146078.3, NM_012130.4 and 1 more transcripts); c.587C>T (NM_001146077.1); short protein forms A196V.
Identifiers: ClinVar variation 339886 (VCV000339886.10), dbSNP rs200651246, ClinGen allele CA10019225.

ClinVar aggregate classification (germline): Uncertain significance. Review status: criteria provided, multiple submitters, no conflicts (2 of 4 stars). 3 submissions from 3 submitters: Uncertain significance (3). Last evaluated 2025-02-24.

Conditions:
CLDN14-related disorder. Also called: CLDN14-related condition.
Autosomal recessive nonsyndromic hearing loss 29. Identifiers: Orphanet 90636, MedGen C3279660, MONDO:0013537, OMIM 614035.

Allele frequency attached by ClinVar (database versions not stated): gnomAD 0.00001; TOPMed 0.00001; gnomAD exomes 0.00007 and 0.00013; ExAC 0.00010; 1000 Genomes Project 30x 0.00031; 1000 Genomes Project 0.00040.
gnomAD v4.1: 181 of 1,614,170 alleles (0.011%); highest among the groups gnomAD compares: East Asian, 0.39%; 1 homozygote.

Submissions (3):

Labcorp Genetics (formerly Invitae), Labcorp
Classification: Uncertain significance. Last evaluated: 2025-02-24. Review status: criteria provided, single submitter. Criteria: Invitae Variant Classification Sherloc (09022015). Collection method: clinical testing. Allele origin: germline.
Comment: This sequence change replaces alanine, which is neutral and non-polar, with valine, which is neutral and non-polar, at codon 196 of the CLDN14 protein (p.Ala196Val). This variant is present in population databases (rs200651246, gnomAD 0.09%). This variant has not been reported in the literature in individuals affected with CLDN14-related conditions. ClinVar contains an entry for this variant (Variation ID: 339886). An algorithm developed to predict the effect of missense changes on protein structure and function outputs the following: PolyPhen-2: "Benign". The valine amino acid residue is found in multiple mammalian species, which suggests that this missense change does not adversely affect protein function. In summary, the available evidence is currently insufficient to determine the role of this variant in disease. Therefore, it has been classified as a Variant of Uncertain Significance.

PreventionGenetics, part of Exact Sciences
Classification: Uncertain significance for CLDN14-related condition. Last evaluated: 2024-11-26. Review status: criteria provided, single submitter. Criteria: ACMG Guidelines, 2015. Collection method: clinical testing. Allele origin: germline.
Comment: The CLDN14 c.587C>T variant is predicted to result in the amino acid substitution p.Ala196Val. To our knowledge, this variant has not been reported in the literature. This variant is reported in 0.082% of alleles in individuals of East Asian descent in gnomAD. Although we suspect that this variant may be benign, at this time, the clinical significance of this variant is uncertain due to the absence of conclusive functional and genetic evidence.

Illumina Laboratory Services, Illumina
Classification: Uncertain significance for Autosomal recessive nonsyndromic hearing loss 29. Last evaluated: 2018-01-12. Review status: criteria provided, single submitter. Criteria: ICSL Variant Classification Criteria 13 December 2019. Collection method: clinical testing. Allele origin: germline.